The following is an entry in ClinVar:

NM_004820.5(CYP7B1):c.418del (p.Leu140fs)

Gene: CYP7B1 (cytochrome P450 family 7 subfamily B member 1; minus strand). Cytogenetic location: 8q12.3.
Variant type: Deletion.
Coding change: c.418del on transcript NM_004820.5 (MANE Select); coding-DNA position 418, one base deleted (C; older notation c.418delC).
Protein change: p.Leu140fs; shifts the reading frame from leucine 140.
Molecular consequence: frameshift variant.
Genome position (GRCh38, 1-based): chr8:64,616,123, G deleted on the plus strand (C on the coding strand, the reverse complement: CYP7B1 is on the minus strand); the first of 2 consecutive G bases (chr8:64,616,123-64,616,124); deleting either gives the same sequence. VCF-style (leftmost placement, unchanged base first): chr8-64616122-AG-A. GRCh37 (hg19) VCF-style: chr8-65528679-AG-A.
Other names: c.418del, p.Leu140fs (NM_001324112.2); short protein forms L140fs.
Identifiers: ClinVar variation 2977390 (VCV002977390.3), dbSNP rs2487191885, ClinGen allele CA2740095057.
Genomic context (GRCh38, chr8:64,616,122, plus strand): 5'-TTCTGCATCATGCTTTCCAAGAGTATGTCCAAAGATTTGCCTTGCAAAAATTGATAGCAG[AG>A]GTGAAGCTCATCATTCATGTCATGATTTTTTTGCAACTGACTGATGCTAAATGCTTTCTC-3'

ClinVar aggregate classification (germline): Pathogenic (1 of 4 stars; one submission).

Conditions:
Spastic paraplegia. Identifiers: MedGen C0037772, HP:0001258.

Submission:

Labcorp Genetics (formerly Invitae), Labcorp
Classification: Pathogenic for Spastic paraplegia. Last evaluated: 2025-10-07. Review status: criteria provided, single submitter. Criteria: Invitae Variant Classification Sherloc (09022015). Collection method: clinical testing. Allele origin: germline.
Comment: This sequence change creates a premature translational stop signal (p.Leu140Serfs*18) in the CYP7B1 gene. It is expected to result in an absent or disrupted protein product. Loss-of-function variants in CYP7B1 are known to be pathogenic (PMID: 9802883, 19363635, 19439420, 21541746, 21567895, 28039895). This variant is not present in population databases (gnomAD no frequency). This variant has not been reported in the literature in individuals affected with CYP7B1-related conditions. ClinVar contains an entry for this variant (Variation ID: 2977390). For these reasons, this variant has been classified as Pathogenic.

Literature cited by the submitters: PubMed 9802883; PubMed 19363635; PubMed 19439420; PubMed 21541746; PubMed 21567895; PubMed 28039895.